The following is an entry in ClinVar:

NM_002890.3(RASA1):c.2738G>A (p.Arg913Gln)

Genes: CCNH (cyclin H; minus strand), RASA1 (RAS p21 protein activator 1; plus strand). Cytogenetic location: 5q14.3.
Variant type: single nucleotide variant.
Coding change: c.2738G>A on transcript NM_002890.3 (MANE Select); coding-DNA position 2738, G replaced by A.
Protein change: p.Arg913Gln; replaces arginine 913 with glutamine.
Molecular consequence: missense variant. On other transcripts: intron variant (1).
Genome position (GRCh38, 1-based): chr5:87,383,760, G>A. VCF-style: chr5-87383760-G-A. GRCh37 (hg19) VCF-style: chr5-86679577-G-A.
Other names: c.2207G>A, p.Arg736Gln (NM_022650.3); c.933+11284C>T (NM_001364075.2); short protein forms R736Q, R913Q.
Identifiers: ClinVar variation 4780714 (VCV004780714.1).

ClinVar aggregate classification (germline): Uncertain significance (1 of 4 stars; one submission).

Conditions:
Capillary malformation-arteriovenous malformation syndrome. Also called: Capillary malformation-arteriovenous malformation. Identifiers: Orphanet 137667, MedGen C1842180, MONDO:0012016.

Submission:

Labcorp Genetics (formerly Invitae), Labcorp
Classification: Uncertain significance for Capillary malformation-arteriovenous malformation syndrome. Last evaluated: 2025-10-26. Review status: criteria provided, single submitter. Criteria: Invitae Variant Classification Sherloc (09022015). Collection method: clinical testing. Allele origin: germline.
Comment: This sequence change replaces arginine, which is basic and polar, with glutamine, which is neutral and polar, at codon 913 of the RASA1 protein (p.Arg913Gln). This variant is not present in population databases (gnomAD no frequency). This variant has not been reported in the literature in individuals affected with RASA1-related conditions. An algorithm developed to predict the effect of missense changes on protein structure and function (PolyPhen-2) suggests that this variant is likely to be disruptive. Algorithms developed to predict the effect of sequence changes on RNA splicing suggest that this variant may disrupt the consensus splice site. In summary, the available evidence is currently insufficient to determine the role of this variant in disease. Therefore, it has been classified as a Variant of Uncertain Significance.